The following is an entry in ClinVar:

ClinVar aggregate classification (germline): Uncertain significance (1 of 4 stars; one submission).

Allele frequency attached by ClinVar (database versions not stated): TOPMed below 0.00001; ExAC 0.00003; gnomAD 0.00003; gnomAD exomes 0.00003.
gnomAD v4.1: 54 of 1,613,736 alleles (0.0033%); highest among the groups gnomAD compares: Non-Finnish European, 0.0028%; no homozygotes.

Submission:

Labcorp Genetics (formerly Invitae), Labcorp
Classification: Uncertain significance. Last evaluated: 2025-12-29. Review status: criteria provided, single submitter. Criteria: Invitae Variant Classification Sherloc (09022015). Collection method: clinical testing. Allele origin: germline.
Comment: This sequence change replaces lysine, which is basic and polar, with threonine, which is neutral and polar, at codon 2463 of the ACAN protein (p.Lys2463Thr). This variant is present in population databases (rs780471356, gnomAD 0.03%). This variant has not been reported in the literature in individuals affected with ACAN-related conditions. ClinVar contains an entry for this variant (Variation ID: 1903329). An algorithm developed to predict the effect of missense changes on protein structure and function (PolyPhen-2) suggests that this variant is likely to be disruptive. In summary, the available evidence is currently insufficient to determine the role of this variant in disease. Therefore, it has been classified as a Variant of Uncertain Significance.

NM_001369268.1(ACAN):c.7502A>C (p.Lys2501Thr)

Gene: ACAN (aggrecan; plus strand). Cytogenetic location: 15q26.1.
Variant type: single nucleotide variant.
Coding change: c.7502A>C on transcript NM_001369268.1 (MANE Select); coding-DNA position 7502, A replaced by C.
Protein change: p.Lys2501Thr; replaces lysine 2501 with threonine.
Molecular consequence: missense variant. On other transcripts: intron variant (1).
Genome position (GRCh38, 1-based): chr15:88,873,896, A>C. VCF-style: chr15-88873896-A-C. GRCh37 (hg19) VCF-style: chr15-89417127-A-C.
Other names: c.7274A>C, p.Lys2425Thr (NM_001411096.1); c.7388A>C, p.Lys2463Thr (NM_001411097.1, NM_013227.4); c.7220-509A>C (NM_001135.4); short protein forms K2501T, K2425T, K2463T.
Identifiers: ClinVar variation 1903329 (VCV001903329.5), dbSNP rs780471356, ClinGen allele CA7720713.